The following is an entry in ClinVar:

ClinVar aggregate classification (germline): Likely benign (1 of 4 stars; one submission).

Allele frequency attached by ClinVar (database versions not stated): gnomAD exomes below 0.00001.
gnomAD v4.1: 5 of 1,203,506 alleles (0.00042%); highest among the groups gnomAD compares: South Asian, 0.0018%; no homozygotes.

Submission:

CeGaT Center for Human Genetics Tuebingen
Classification: Likely benign. Last evaluated: 2022-07-01. Review status: criteria provided, single submitter. Criteria: CeGaT Center For Human Genetics Tuebingen Variant Classification Criteria Version 2. Collection method: clinical testing. Allele origin: germline. Affected: yes. Observed: 1 variant allele.
Comment: THOC2: BP4, BP7

NM_001081550.2(THOC2):c.2010G>A (p.Ala670=)

Gene: THOC2 (THO complex subunit 2; minus strand). Cytogenetic location: Xq25.
Variant type: single nucleotide variant.
Coding change: c.2010G>A on transcript NM_001081550.2 (MANE Select); coding-DNA position 2010, G replaced by A.
Protein change: p.Ala670=; no amino-acid change (alanine 670 retained).
Molecular consequence: synonymous variant.
Genome position (GRCh38, 1-based): chrX:123,636,087, C>T on the plus strand (G>A on the coding strand, the complement: THOC2 is on the minus strand). VCF-style: chrX-123636087-C-T. GRCh37 (hg19) VCF-style: chrX-122769938-C-T.
Identifiers: ClinVar variation 2661348 (VCV002661348.24), dbSNP rs1239381361, ClinGen allele CA518175976.